The following is an entry in ClinVar:

ClinVar aggregate classification (germline): Uncertain significance (1 of 4 stars; one submission).

Submission:

Labcorp Genetics (formerly Invitae), Labcorp
Classification: Uncertain significance. Last evaluated: 2023-10-23. Review status: criteria provided, single submitter. Criteria: Invitae Variant Classification Sherloc (09022015). Collection method: clinical testing. Allele origin: germline.
Comment: This sequence change replaces proline, which is neutral and non-polar, with leucine, which is neutral and non-polar, at codon 1608 of the LRP6 protein (p.Pro1608Leu). This variant is not present in population databases (gnomAD no frequency). This variant has not been reported in the literature in individuals affected with LRP6-related conditions. An algorithm developed to predict the effect of missense changes on protein structure and function (PolyPhen-2) suggests that this variant is likely to be disruptive. In summary, the available evidence is currently insufficient to determine the role of this variant in disease. Therefore, it has been classified as a Variant of Uncertain Significance.

NM_002336.3(LRP6):c.4823C>T (p.Pro1608Leu)

Gene: LRP6 (LDL receptor related protein 6; minus strand). Cytogenetic location: 12p13.2.
Variant type: single nucleotide variant.
Coding change: c.4823C>T on transcript NM_002336.3 (MANE Select); coding-DNA position 4823, C replaced by T.
Protein change: p.Pro1608Leu; replaces proline 1608 with leucine.
Molecular consequence: missense variant. On other transcripts: 3 prime UTR variant (1), non-coding transcript variant (1).
Genome position (GRCh38, 1-based): chr12:12,121,145, G>A on the plus strand (C>T on the coding strand, the complement: LRP6 is on the minus strand). VCF-style: chr12-12121145-G-A. GRCh37 (hg19) VCF-style: chr12-12274079-G-A.
Other names: c.4916C>T, p.Pro1639Leu (NM_001414244.1); c.4823C>T, p.Pro1608Leu (NM_001414245.1); c.4688C>T, p.Pro1563Leu (NM_001414246.1); c.4625C>T, p.Pro1542Leu (NM_001414247.1); c.*299C>T (NM_001414248.1); c.4460C>T, p.Pro1487Leu (NM_001414251.1); c.4370C>T, p.Pro1457Leu (NM_001414252.1, NM_001414253.1, NM_001414254.1); c.4316C>T, p.Pro1439Leu (NM_001414255.1); short protein forms P1457L, P1563L, P1439L, P1608L, P1639L, P1487L, P1542L.
Identifiers: ClinVar variation 2771179 (VCV002771179.3), dbSNP rs1949599344, ClinGen allele CA383947439.